The following is an entry in ClinVar:

NM_000038.6(APC):c.1743+1535T>A

Gene: APC (APC regulator of WNT signaling pathway; plus strand). Cytogenetic location: 5q22.2.
Variant type: single nucleotide variant.
Coding change: c.1743+1535T>A on transcript NM_000038.6 (MANE Select); 1535 bases into the intron after coding-DNA position 1743, T replaced by A.
Molecular consequence: intron variant.
Genome position (GRCh38, 1-based): chr5:112,830,507, T>A. VCF-style: chr5-112830507-T-A. GRCh37 (hg19) VCF-style: chr5-112166204-T-A.
Other names: c.1743+1535T>A (NM_001354895.2, NM_001127510.3); c.1773+1535T>A (NM_001354897.2); c.1470+1535T>A (NM_001354902.2); c.1689+1535T>A (NM_001127511.3); c.1668+1535T>A (NM_001354898.2); c.1365+1535T>A (NM_001354904.2); c.894+1535T>A (NM_001354906.2); c.1797+1535T>A (NM_001354896.2); and 5 more.
Identifiers: ClinVar variation 83173 (VCV000083173.2), dbSNP rs75007163, ClinGen allele CA005517.

ClinVar aggregate classification (germline): other (0 of 4 stars; one submission).

Conditions:
Familial colorectal cancer. Identifiers: MedGen CN280943, MONDO:0023113. Disease mechanism: loss of function.

Submission:

Systems Biology Platform Zhejiang California International NanoSystems Institute
Classification: other for Familial colorectal cancer. Review status: no assertion criteria provided. Collection method: not provided. Allele origin: unknown.
ClinVar note: Converted during submission from cancer to other.